The following is an entry in ClinVar:

ClinVar aggregate classification (germline): Likely benign (1 of 4 stars; one submission).

Allele frequency attached by ClinVar (database versions not stated): ExAC 0.00055; ESP Exome Variant Server 0.00016.

Submission:

CeGaT Center for Human Genetics Tuebingen
Classification: Likely benign. Last evaluated: 2024-04-01. Review status: criteria provided, single submitter. Criteria: CeGaT Center For Human Genetics Tuebingen Variant Classification Criteria Version 2. Collection method: clinical testing. Allele origin: germline. Affected: yes. Observed: 1 variant allele.
Comment: KIR2DS4: BS2

NM_001281971.2(KIR2DS4):c.110A>C (p.His37Pro)

Gene: KIR2DS4 (killer cell immunoglobulin like receptor, two Ig domains and short cytoplasmic tail 4 (gene/pseudogene)). Cytogenetic location: 19q13.42.
Variant type: single nucleotide variant.
Coding change: c.110A>C on transcript NM_001281971.2; coding-DNA position 110, A replaced by C.
Protein change: p.His37Pro; replaces histidine 37 with proline.
Molecular consequence: missense variant.
Genome position (GRCh38, 1-based): chr19:54,837,615, A>C. VCF-style: chr19-54837615-A-C. GRCh37 (hg19) VCF-style: chr19-55349070-A-C.
Other names: c.110A>C, p.His37Pro (NM_001281972.2); short protein forms H37P.
Identifiers: ClinVar variation 3234349 (VCV003234349.19), dbSNP rs1143507, ClinGen allele CA309929639.